The following is an entry in ClinVar:

NM_001085411.3(NADK2):c.739C>T (p.Gln247Ter)

Gene: NADK2 (NAD kinase 2, mitochondrial; minus strand). Cytogenetic location: 5p13.2.
Variant type: single nucleotide variant.
Coding change: c.739C>T on transcript NM_001085411.3 (MANE Select); coding-DNA position 739, C replaced by T.
Protein change: p.Gln247Ter; replaces glutamine 247 with a stop codon.
Molecular consequence: nonsense.
Genome position (GRCh38, 1-based): chr5:36,217,790, G>A on the plus strand (C>T on the coding strand, the complement: NADK2 is on the minus strand). VCF-style: chr5-36217790-G-A. GRCh37 (hg19) VCF-style: chr5-36217892-G-A.
Other names: c.250C>T, p.Gln84Ter (NM_001287340.2, NM_001287341.2, NM_153013.5); short protein forms Q84*, Q247*.
Identifiers: ClinVar variation 2030123 (VCV002030123.4), dbSNP rs2546193061, ClinGen allele CA359455198.

ClinVar aggregate classification (germline): Uncertain significance (1 of 4 stars; one submission).

Conditions:
Progressive encephalopathy with leukodystrophy due to DECR deficiency. Identifiers: Orphanet 431361, MedGen C1857252, MONDO:0014464, OMIM 616034.

Allele frequency attached by ClinVar (database versions not stated): gnomAD exomes below 0.00001.

Submission:

Labcorp Genetics (formerly Invitae), Labcorp
Classification: Uncertain significance for Progressive encephalopathy with leukodystrophy due to DECR deficiency. Last evaluated: 2022-09-12. Review status: criteria provided, single submitter. Criteria: Invitae Variant Classification Sherloc (09022015). Collection method: clinical testing. Allele origin: germline.
Comment: In summary, the available evidence is currently insufficient to determine the role of this variant in disease. Therefore, it has been classified as a Variant of Uncertain Significance. Algorithms developed to predict the effect of sequence changes on RNA splicing suggest that this variant may disrupt the consensus splice site. This variant has not been reported in the literature in individuals affected with NADK2-related conditions. This variant is not present in population databases (gnomAD no frequency). This sequence change creates a premature translational stop signal (p.Gln247*) in the NADK2 gene. It is expected to result in an absent or disrupted protein product. However, the current clinical and genetic evidence is not sufficient to establish whether loss-of-function variants in NADK2 cause disease.